The following is an entry in ClinVar:

ClinVar aggregate classification (germline): Pathogenic (1 of 4 stars; one submission).

Submission:

Labcorp Genetics (formerly Invitae), Labcorp
Classification: Pathogenic. Last evaluated: 2023-12-30. Review status: criteria provided, single submitter. Criteria: Invitae Variant Classification Sherloc (09022015). Collection method: clinical testing. Allele origin: germline.
Comment: This sequence change creates a premature translational stop signal (p.Glu228Argfs*9) in the RGS9 gene. It is expected to result in an absent or disrupted protein product. Loss-of-function variants in RGS9 are known to be pathogenic (PMID: 11262419, 14702087). The frequency data for this variant in the population databases is considered unreliable, as metrics indicate poor data quality at this position in the gnomAD database. This variant has not been reported in the literature in individuals affected with RGS9-related conditions. For these reasons, this variant has been classified as Pathogenic.

Literature cited by the submitters: PubMed 11262419; PubMed 14702087.

NM_003835.4(RGS9):c.681del (p.Glu228fs)

Gene: RGS9 (regulator of G protein signaling 9; plus strand). Cytogenetic location: 17q24.1.
Variant type: Deletion.
Coding change: c.681del on transcript NM_003835.4 (MANE Select); coding-DNA position 681, one base deleted (A; older notation c.681delA).
Protein change: p.Glu228fs; shifts the reading frame from glutamic acid 228.
Molecular consequence: frameshift variant.
Genome position (GRCh38, 1-based): chr17:65,189,312, A deleted; the last of 6 consecutive A bases (chr17:65,189,307-65,189,312); deleting any one gives the same sequence. VCF-style (leftmost placement, unchanged base first): chr17-65189306-CA-C. GRCh37 (hg19) VCF-style: chr17-63185424-CA-C.
Other names: c.672del, p.Glu225fs (NM_001081955.3, NM_001165933.2); short protein forms E225fs, E228fs.
Identifiers: ClinVar variation 2779487 (VCV002779487.3), dbSNP rs1159593196, ClinGen allele CA501472364.